The following is an entry in ClinVar:

ClinVar aggregate classification (germline): Uncertain significance. Review status: criteria provided, single submitter (1 of 4 stars). 2 submissions from 2 submitters: Uncertain significance (1). 1 of the submissions does not count toward it. Last evaluated 2021-12-07.

Conditions:
Inborn genetic diseases. Identifiers: MedGen C0950123, MeSH D030342.
BCL11A-related disorder. Also called: BCL11A-related condition.

Allele frequency attached by ClinVar (database versions not stated): gnomAD exomes below 0.00001; TOPMed below 0.00001; gnomAD 0.00001.
gnomAD v4.1: 4 of 1,614,040 alleles (0.00025%); highest among the groups gnomAD compares: African/African-American, 0.0013%; no homozygotes.

Submissions (2):

Ambry Genetics
Classification: Uncertain significance for Inborn genetic diseases. Last evaluated: 2021-12-07. Review status: criteria provided, single submitter. Criteria: Ambry Variant Classification Scheme 2023. Collection method: clinical testing. Allele origin: germline.

PreventionGenetics, part of Exact Sciences
Classification: Uncertain significance for BCL11A-related condition. Last evaluated: 2024-01-29. Review status: no assertion criteria provided. Collection method: clinical testing. Allele origin: germline. Not counted in ClinVar's aggregate classification.
Comment: The BCL11A c.2186G>A variant is predicted to result in the amino acid substitution p.Gly729Asp. To our knowledge, this variant has not been reported in the literature. This variant is reported in 0.00088% of alleles in individuals of European (Non-Finnish) descent in gnomAD. At this time, the clinical significance of this variant is uncertain due to the absence of conclusive functional and genetic evidence.

NM_022893.4(BCL11A):c.2186G>A (p.Gly729Asp)

Gene: BCL11A (BCL11 transcription factor A; minus strand). Cytogenetic location: 2p16.1.
Variant type: single nucleotide variant.
Coding change: c.2186G>A on transcript NM_022893.4 (MANE Select); coding-DNA position 2186, G replaced by A.
Protein change: p.Gly729Asp; replaces glycine 729 with aspartic acid.
Molecular consequence: missense variant. On other transcripts: intron variant (6).
Genome position (GRCh38, 1-based): chr2:60,460,726, C>T on the plus strand (G>A on the coding strand, the complement: BCL11A is on the minus strand). VCF-style: chr2-60460726-C-T. GRCh37 (hg19) VCF-style: chr2-60687861-C-T.
Other names: c.2084G>A, p.Gly695Asp (NM_001363864.1, NM_001365609.1, NM_001405711.1 and 2 more transcripts); c.2186G>A, p.Gly729Asp (NM_001405708.1, NM_001405709.1, NM_001405710.1 and 1 more transcripts); c.2030G>A, p.Gly677Asp (NM_001405713.1, NM_001405714.1, NM_001405715.1 and 3 more transcripts); c.1928G>A, p.Gly643Asp (NM_001405717.1, NM_001405718.1, NM_001405724.1); c.1853G>A, p.Gly618Asp (NM_001405720.1, NM_001405721.1); c.1730G>A, p.Gly577Asp (NM_001405725.1, NM_001405726.1, NM_001405727.1 and 1 more transcripts); c.1493G>A, p.Gly498Asp (NM_001405729.1); c.1649G>A, p.Gly550Asp (NM_001405730.1); and 5 more; short protein forms G695D, G398D, G498D, G550D, G618D, G729D, G577D, G643D.
Identifiers: ClinVar variation 2265697 (VCV002265697.4), dbSNP rs763195769, ClinGen allele CA1670976.